The following is an entry in ClinVar:

ClinVar aggregate classification (germline): Uncertain significance. Review status: criteria provided, multiple submitters, no conflicts (2 of 4 stars). 2 submissions from 2 submitters: Uncertain significance (2). Last evaluated 2024-07-30.

Conditions:
Charcot-Marie-Tooth disease type 4. Also called: Charcot-Marie-Tooth disease, type IV; Charcot-Marie-Tooth, Type 4. Identifiers: Orphanet 64749, MedGen C4082197, MONDO:0018995.

Allele frequency attached by ClinVar (database versions not stated): gnomAD exomes below 0.00001 and 0.00001; gnomAD 0.00001 and 0.00002; TOPMed 0.00001.
gnomAD v4.1: 5 of 1,614,078 alleles (0.00031%); highest among the groups gnomAD compares: Admixed American, 0.005%; no homozygotes.

Submissions (2):

GeneDx
Classification: Uncertain significance. Last evaluated: 2024-07-30. Review status: criteria provided, single submitter. Criteria: GeneDx Variant Classification Process June 2021. Collection method: clinical testing. Allele origin: germline. Affected: yes.
Comment: Not observed at significant frequency in large population cohorts (gnomAD); In silico analysis supports that this missense variant has a deleterious effect on protein structure/function; Has not been previously published as pathogenic or benign to our knowledge

Labcorp Genetics (formerly Invitae), Labcorp
Classification: Uncertain significance for Charcot-Marie-Tooth disease type 4. Last evaluated: 2021-08-28. Review status: criteria provided, single submitter. Criteria: Invitae Variant Classification Sherloc (09022015). Collection method: clinical testing. Allele origin: germline.
Comment: This sequence change replaces threonine with alanine at codon 1105 of the SBF2 protein (p.Thr1105Ala). The threonine residue is moderately conserved and there is a small physicochemical difference between threonine and alanine. This variant is not present in population databases (ExAC no frequency). This variant has not been reported in the literature in individuals affected with SBF2-related conditions. Algorithms developed to predict the effect of missense changes on protein structure and function (SIFT, PolyPhen-2, Align-GVGD) all suggest that this variant is likely to be tolerated. In summary, the available evidence is currently insufficient to determine the role of this variant in disease. Therefore, it has been classified as a Variant of Uncertain Significance.

NM_030962.4(SBF2):c.3313A>G (p.Thr1105Ala)

Genes: SBF2 (SET binding factor 2; minus strand), LOC101928008 (uncharacterized LOC101928008; plus strand). Cytogenetic location: 11p15.4.
Variant type: single nucleotide variant.
Coding change: c.3313A>G on transcript NM_030962.4 (MANE Select); coding-DNA position 3313, A replaced by G.
Protein change: p.Thr1105Ala; replaces threonine 1105 with alanine.
Molecular consequence: missense variant.
Genome position (GRCh38, 1-based): chr11:9,839,640, T>C on the plus strand (A>G on the coding strand, the complement: SBF2 is on the minus strand). VCF-style: chr11-9839640-T-C. GRCh37 (hg19) VCF-style: chr11-9861187-T-C.
Other names: c.3313A>G, p.Thr1105Ala (NM_001386339.1); c.3184A>G, p.Thr1062Ala (NM_001386342.1); short protein forms T1105A, T1062A.
Identifiers: ClinVar variation 935404 (VCV000935404.9), dbSNP rs1217278816, ClinGen allele CA379628907.
Genomic context (GRCh38, chr11:9,839,640, plus strand): 5'-TTCCTAAACCTAAACGCTGATAGTCTCTGAAACAAGCTTTTTCCACCAACTGTTCCATTG[T>C]AGACTTCTCGGAGGCCTTCAGGGTGGTACTTGTGGGGAGCTCACTCTCATCTGAAACTGT-3'
Protein context (NP_112224.1, residues 1095-1115): STTLKASEKS[Thr1105Ala]MEQLVEKACF